The following is an entry in ClinVar:

NM_003737.4(DCHS1):c.3686G>A (p.Arg1229His)

Gene: DCHS1 (dachsous cadherin-related 1; minus strand). Cytogenetic location: 11p15.4.
Variant type: single nucleotide variant.
Coding change: c.3686G>A on transcript NM_003737.4 (MANE Select); coding-DNA position 3686, G replaced by A.
Protein change: p.Arg1229His; replaces arginine 1229 with histidine.
Molecular consequence: missense variant.
Genome position (GRCh38, 1-based): chr11:6,631,397, C>T on the plus strand (G>A on the coding strand, the complement: DCHS1 is on the minus strand). VCF-style: chr11-6631397-C-T. GRCh37 (hg19) VCF-style: chr11-6652628-C-T.
Other names: c.3686G>A (NM_003737.2); short protein forms R1229H.
Identifiers: ClinVar variation 1202843 (VCV001202843.14), dbSNP rs139849372, ClinGen allele CA5860457.

ClinVar aggregate classification (germline): Conflicting classifications of pathogenicity. Review status: criteria provided, conflicting classifications (1 of 4 stars). 4 submissions from 4 submitters: Uncertain significance (2); Likely benign (2). Last evaluated 2026-01-17.

Conditions:
Inborn genetic diseases. Identifiers: MedGen C0950123, MeSH D030342.
DCHS1-related disorder. Also called: DCHS1-related condition.

Allele frequency attached by ClinVar (database versions not stated): 1000 Genomes Project 30x 0.00016; ExAC 0.00017; 1000 Genomes Project 0.00020; TOPMed 0.00020; gnomAD exomes 0.00021; gnomAD 0.00030; ESP Exome Variant Server 0.00046.
gnomAD v4.1: 474 of 1,613,988 alleles (0.029%); highest among the groups gnomAD compares: Non-Finnish European, 0.037%; 2 homozygotes.

Submissions (4):

Labcorp Genetics (formerly Invitae), Labcorp
Classification: Likely benign. Last evaluated: 2026-01-17. Review status: criteria provided, single submitter. Criteria: Invitae Variant Classification Sherloc (09022015). Collection method: clinical testing. Allele origin: germline.

Ambry Genetics
Classification: Uncertain significance for Inborn genetic diseases. Last evaluated: 2024-08-28. Review status: criteria provided, single submitter. Criteria: Ambry Variant Classification Scheme 2023. Collection method: clinical testing. Allele origin: germline.

PreventionGenetics, part of Exact Sciences
Classification: Uncertain significance for DCHS1-related condition. Last evaluated: 2023-02-08. Review status: criteria provided, single submitter. Criteria: ACMG Guidelines, 2015. Collection method: clinical testing. Allele origin: germline.
Comment: The DCHS1 c.3686G>A variant is predicted to result in the amino acid substitution p.Arg1229His. To our knowledge, this variant has not been reported in the literature. This variant is reported in 0.051% of alleles in individuals of European (Non-Finnish) descent in gnomAD. At this time, the clinical significance of this variant is uncertain due to the absence of conclusive functional and genetic evidence.

GeneDx
Classification: Likely benign. Last evaluated: 2020-12-14. Review status: criteria provided, single submitter. Criteria: GeneDx Variant Classification Process June 2021. Collection method: clinical testing. Allele origin: germline. Affected: yes.